The following is an entry in ClinVar:

NM_001042492.3(NF1):c.1038del (p.Gln347fs)

Gene: NF1 (neurofibromin 1; plus strand). Cytogenetic location: 17q11.2.
Variant type: Deletion.
Coding change: c.1038del on transcript NM_001042492.3 (MANE Select); coding-DNA position 1038, one base deleted (T; older notation c.1038delT).
Protein change: p.Gln347fs; shifts the reading frame from glutamine 347.
Molecular consequence: frameshift variant.
Genome position (GRCh38, 1-based): chr17:31,200,571, T deleted; the last of 2 consecutive T bases (chr17:31,200,570-31,200,571); deleting either gives the same sequence. VCF-style (leftmost placement, unchanged base first): chr17-31200569-GT-G. GRCh37 (hg19) VCF-style: chr17-29527587-GT-G.
Other names: c.1038delT, p.Gln347Serfs (NM_000267.4); c.1038del, p.Gln347fs (NM_001128147.3); short protein forms Q347fs.
Identifiers: ClinVar variation 1687245 (VCV001687245.3), dbSNP rs2143874352, ClinGen allele CA2573153540.

ClinVar aggregate classification (germline): Pathogenic/Likely pathogenic. Review status: criteria provided, multiple submitters, no conflicts (2 of 4 stars). 2 submissions from 2 submitters: Pathogenic (1); Likely pathogenic (1). Last evaluated 2024-11-19.

Conditions:
Neurofibromatosis, type 1 (NF1). Also called: Neurofibromatosis, type I; NEUROFIBROMATOSIS, TYPE I, SOMATIC; VON RECKLINGHAUSEN DISEASE; Peripheral type neurofibromatosis. Identifiers: Orphanet 636, MedGen C0027831, MONDO:0018975, OMIM 162200. Disease mechanism: loss of function.

Submissions (2):

Labcorp Genetics (formerly Invitae), Labcorp
Classification: Pathogenic for Neurofibromatosis, type 1. Last evaluated: 2024-11-19. Review status: criteria provided, single submitter. Criteria: Invitae Variant Classification Sherloc (09022015). Collection method: clinical testing. Allele origin: germline.
Comment: This sequence change creates a premature translational stop signal (p.Gln347Serfs*29) in the NF1 gene. It is expected to result in an absent or disrupted protein product. Loss-of-function variants in NF1 are known to be pathogenic (PMID: 10712197, 23913538). This variant is not present in population databases (gnomAD no frequency). This variant has not been reported in the literature in individuals affected with NF1-related conditions. ClinVar contains an entry for this variant (Variation ID: 1687245). Algorithms developed to predict the effect of sequence changes on RNA splicing suggest that this variant may disrupt the consensus splice site. For these reasons, this variant has been classified as Pathogenic.

3billion
Classification: Likely pathogenic for Neurofibromatosis, type 1. Last evaluated: 2022-05-22. Review status: criteria provided, single submitter. Criteria: ACMG Guidelines, 2015. Collection method: clinical testing. Allele origin: germline. Affected: yes. Observed: 1 heterozygote.
Comment: The variant is not observed in the gnomAD v2.1.1 dataset. Frameshift: predicted to result in a loss or disruption of normal protein function through nonsense-mediated decay (NMD) or protein truncation. Multiple pathogenic variants are reported downstream of the variant. Therefore, this variant is classified as likely pathogenic according to the recommendation of ACMG/AMP guideline.

Literature cited by the submitters: PubMed 10712197 (cited by Labcorp Genetics (formerly Invitae), Labcorp); PubMed 23913538 (cited by Labcorp Genetics (formerly Invitae), Labcorp).